The following is an entry in ClinVar:

NM_177438.3(DICER1):c.4211A>T (p.Lys1404Ile)

Gene: DICER1 (dicer 1, ribonuclease III; minus strand). Cytogenetic location: 14q32.13.
Variant type: single nucleotide variant.
Coding change: c.4211A>T on transcript NM_177438.3 (MANE Select); coding-DNA position 4211, A replaced by T.
Protein change: p.Lys1404Ile; replaces lysine 1404 with isoleucine.
Molecular consequence: missense variant. On other transcripts: non-coding transcript variant (6).
Genome position (GRCh38, 1-based): chr14:95,096,709, T>A on the plus strand (A>T on the coding strand, the complement: DICER1 is on the minus strand). VCF-style: chr14-95096709-T-A. GRCh37 (hg19) VCF-style: chr14-95563046-T-A.
Other names: c.4211A>T, p.Lys1404Ile (NM_001195573.1, NM_001271282.3, NM_001291628.2 and 13 more transcripts); c.3929A>T, p.Lys1310Ile (NM_001395686.1); c.3806A>T, p.Lys1269Ile (NM_001395687.1, NM_001395688.1, NM_001395689.1 and 2 more transcripts); c.3644A>T, p.Lys1215Ile (NM_001395691.1); c.2528A>T, p.Lys843Ile (NM_001395697.1); short protein forms K1269I, K1310I, K1215I, K843I, K1404I.
Identifiers: ClinVar variation 3016448 (VCV003016448.3), dbSNP rs2139855689, ClinGen allele CA390869889.
Genomic context (GRCh38, chr14:95,096,709, plus strand): 5'-TCCTCCTCATCCTCCTCCTCGTAATCCTCATCCAGTTTGCCATTCGCCAGCATGCAGTCT[T>A]TTGTCTGAAACGAGGGGGAATGGGGAAGGAGGGGAAACATAGCTGCTGTTTTTAAAAGGG-3'
Protein context (NP_803187.1, residues 1394-1414): TDKWEKDEMT[Lys1404Ile]DCMLANGKLD

ClinVar aggregate classification (germline): Uncertain significance (1 of 4 stars; one submission).

Conditions:
DICER1-related tumor predisposition. Also called: DICER1-related pleuropulmonary blastoma cancer predisposition syndrome; DICER1 syndrome. Identifiers: Orphanet 284343, MedGen C3839822, MONDO:0100216.

Submission:

Labcorp Genetics (formerly Invitae), Labcorp
Classification: Uncertain significance for DICER1-related tumor predisposition. Last evaluated: 2023-05-02. Review status: criteria provided, single submitter. Criteria: Invitae Variant Classification Sherloc (09022015). Collection method: clinical testing. Allele origin: germline.
Comment: An algorithm developed to predict the effect of missense changes on protein structure and function (PolyPhen-2) suggests that this variant is likely to be disruptive. In summary, the available evidence is currently insufficient to determine the role of this variant in disease. Therefore, it has been classified as a Variant of Uncertain Significance. This variant has not been reported in the literature in individuals affected with DICER1-related conditions. This variant is not present in population databases (gnomAD no frequency). This sequence change replaces lysine, which is basic and polar, with isoleucine, which is neutral and non-polar, at codon 1404 of the DICER1 protein (p.Lys1404Ile).